The following is an entry in ClinVar:

NM_001130144.3(LTBP3):c.527G>A (p.Gly176Asp)

Gene: LTBP3 (latent transforming growth factor beta binding protein 3; minus strand). Cytogenetic location: 11q13.1.
Variant type: single nucleotide variant.
Coding change: c.527G>A on transcript NM_001130144.3 (MANE Select); coding-DNA position 527, G replaced by A.
Protein change: p.Gly176Asp; replaces glycine 176 with aspartic acid.
Molecular consequence: missense variant.
Genome position (GRCh38, 1-based): chr11:65,554,185, C>T on the plus strand (G>A on the coding strand, the complement: LTBP3 is on the minus strand). VCF-style: chr11-65554185-C-T. GRCh37 (hg19) VCF-style: chr11-65321656-C-T.
Other names: c.176G>A, p.Gly59Asp (NM_001164266.1); c.527G>A, p.Gly176Asp (NM_021070.4); short protein forms G59D, G176D.
Identifiers: ClinVar variation 3707561 (VCV003707561.2).

ClinVar aggregate classification (germline): Uncertain significance (1 of 4 stars; one submission).

Conditions:
Brachyolmia-amelogenesis imperfecta syndrome. Also called: Tooth agenesis, selective, 6; Dental anomalies and short stature; PLATYSPONDYLY WITH AMELOGENESIS IMPERFECTA. Identifiers: Orphanet 2899, MedGen C1832594, MONDO:0011018, OMIM 601216. Disease mechanism: loss of function.

gnomAD v4.1: 1 of 1,611,652 alleles (0.000062%); highest among the groups gnomAD compares: Non-Finnish European, 0.000085%; no homozygotes.

Submission:

Labcorp Genetics (formerly Invitae), Labcorp
Classification: Uncertain significance for Brachyolmia-amelogenesis imperfecta syndrome. Last evaluated: 2024-07-23. Review status: criteria provided, single submitter. Criteria: Invitae Variant Classification Sherloc (09022015). Collection method: clinical testing. Allele origin: germline.
Comment: This sequence change replaces glycine, which is neutral and non-polar, with aspartic acid, which is acidic and polar, at codon 176 of the LTBP3 protein (p.Gly176Asp). This variant is not present in population databases (gnomAD no frequency). This variant has not been reported in the literature in individuals affected with LTBP3-related conditions. An algorithm developed to predict the effect of missense changes on protein structure and function (PolyPhen-2) suggests that this variant is likely to be disruptive. In summary, the available evidence is currently insufficient to determine the role of this variant in disease. Therefore, it has been classified as a Variant of Uncertain Significance.